The following is an entry in ClinVar:

ClinVar aggregate classification (germline): Benign (1 of 4 stars; one submission).

Conditions:
Lynch syndrome 5 (LYNCH5). Also called: Colorectal cancer, hereditary nonpolyposis, type 5; Hereditary non-polyposis colorectal cancer, type 5. Identifiers: Orphanet 144, MedGen C1833477, MONDO:0013710, OMIM 614350. Disease mechanism: loss of function.

Submission:

Myriad Genetics, Inc.
Classification: Benign for Lynch syndrome 5. Last evaluated: 2025-01-08. Review status: criteria provided, single submitter. Criteria: Myriad Autosomal Dominant, Autosomal Recessive and X-Linked Classification Criteria (2023). Collection method: clinical testing. Allele origin: unknown.
Comment: This variant is considered benign. This variant is a silent/synonymous amino acid change and it is not expected to impact splicing.

NM_000179.3(MSH6):c.3783T>A (p.Ala1261=)

Gene: MSH6 (mutS homolog 6; plus strand). Cytogenetic location: 2p16.3.
Variant type: single nucleotide variant.
Coding change: c.3783T>A on transcript NM_000179.3 (MANE Select); coding-DNA position 3783, T replaced by A.
Protein change: p.Ala1261=; no amino-acid change (alanine 1261 retained).
Molecular consequence: synonymous variant. On other transcripts: non-coding transcript variant (5).
Genome position (GRCh38, 1-based): chr2:47,806,340, T>A. VCF-style: chr2-47806340-T-A. GRCh37 (hg19) VCF-style: chr2-48033479-T-A.
Other names: c.3393T>A, p.Ala1131= (NM_001281492.2); c.2877T>A, p.Ala959= (NM_001281493.2, NM_001281494.2, NM_001406811.1 and 6 more transcripts); c.3879T>A, p.Ala1293= (NM_001406795.1, NM_001406802.1); c.3783T>A, p.Ala1261= (NM_001406796.1, NM_001406800.1, NM_001406808.1 and 1 more transcripts); c.3486T>A, p.Ala1162= (NM_001406797.1, NM_001406801.1, NM_001406805.1 and 10 more transcripts); c.3609T>A, p.Ala1203= (NM_001406798.1); c.3258T>A, p.Ala1086= (NM_001406799.1, NM_001406806.1, NM_001406807.1); c.2919T>A, p.Ala973= (NM_001406803.1); and 7 more.
Identifiers: ClinVar variation 3903786 (VCV003903786.1).